The following is an entry in ClinVar:

NM_001127222.2(CACNA1A):c.6630C>G (p.His2210Gln)

Gene: CACNA1A (calcium voltage-gated channel subunit alpha1 A; minus strand). Cytogenetic location: 19p13.13.
Variant type: single nucleotide variant.
Coding change: c.6630C>G on transcript NM_001127222.2 (MANE Select); coding-DNA position 6630, C replaced by G.
Protein change: p.His2210Gln; replaces histidine 2210 with glutamine.
Molecular consequence: missense variant.
Genome position (GRCh38, 1-based): chr19:13,208,906, G>C on the plus strand (C>G on the coding strand, the complement: CACNA1A is on the minus strand). VCF-style: chr19-13208906-G-C. GRCh37 (hg19) VCF-style: chr19-13319720-G-C.
Other names: c.6648C>G, p.His2216Gln (NM_000068.4, NM_023035.3); c.6633C>G, p.His2211Gln (NM_001127221.2); c.6639C>G, p.His2213Gln (NM_001174080.2); short protein forms H2211Q, H2213Q, H2210Q, H2216Q.
Identifiers: ClinVar variation 387809 (VCV000387809.14), dbSNP rs1006425986, ClinGen allele CA16608878.

ClinVar aggregate classification (germline): Conflicting classifications of pathogenicity. Review status: criteria provided, conflicting classifications (1 of 4 stars). 3 submissions from 3 submitters: Uncertain significance (2); Likely benign (1). Last evaluated 2026-01-21.

Conditions:
Inborn genetic diseases. Identifiers: MedGen C0950123, MeSH D030342.
Episodic ataxia type 2 (EA2). Also called: ATAXIA, EPISODIC, WITH NYSTAGMUS; ATAXIA, FAMILIAL PAROXYSMAL; CEREBELLAR ATAXIA, PAROXYSMAL, ACETAZOLAMIDE-RESPONSIVE; CEREBELLOPATHY, HEREDITARY PAROXYSMAL; ACETAZOLAMIDE-RESPONSIVE HEREDITARY PAROXYSMAL CEREBELLAR ATAXIA; EPISODIC ATAXIA, NYSTAGMUS-ASSOCIATED. Identifiers: Orphanet 97, MedGen C1720416, MONDO:0007163, OMIM 108500.
Developmental and epileptic encephalopathy, 42 (DEE42A). Also called: DEVELOPMENTAL AND EPILEPTIC ENCEPHALOPATHY 42A; EPILEPTIC ENCEPHALOPATHY, EARLY INFANTILE, 42A; Epileptic encephalopathy, early infantile, 42. Identifiers: MedGen C4310716, MONDO:0014917, OMIM 617106.

Allele frequency attached by ClinVar (database versions not stated): gnomAD below 0.00001 and 0.00001; gnomAD exomes 0.00002; 1000 Genomes Project 30x 0.00016.
gnomAD v4.1: 20 of 1,536,706 alleles (0.0013%); highest among the groups gnomAD compares: East Asian, 0.0073%; no homozygotes.

Submissions (3):

Labcorp Genetics (formerly Invitae), Labcorp
Classification: Uncertain significance for Developmental and epileptic encephalopathy, 42; Episodic ataxia type 2. Last evaluated: 2026-01-21. Review status: criteria provided, single submitter. Criteria: Invitae Variant Classification Sherloc (09022015). Collection method: clinical testing. Allele origin: germline.
Comment: This sequence change replaces histidine, which is basic and polar, with glutamine, which is neutral and polar, at codon 2211 of the CACNA1A protein (p.His2211Gln). The frequency data for this variant in the population databases is considered unreliable, as metrics indicate poor data quality at this position in the gnomAD database. This variant has not been reported in the literature in individuals affected with CACNA1A-related conditions. ClinVar contains an entry for this variant (Variation ID: 387809). Invitae Evidence Modeling of protein sequence and biophysical properties (such as structural, functional, and spatial information, amino acid conservation, physicochemical variation, residue mobility, and thermodynamic stability) indicates that this missense variant is not expected to disrupt CACNA1A protein function with a negative predictive value of 95%. In summary, the available evidence is currently insufficient to determine the role of this variant in disease. Therefore, it has been classified as a Variant of Uncertain Significance.

Ambry Genetics
Classification: Uncertain significance for Inborn genetic diseases. Last evaluated: 2025-04-29. Review status: criteria provided, single submitter. Criteria: Ambry Variant Classification Scheme 2023. Collection method: clinical testing. Allele origin: germline.

GeneDx
Classification: Likely benign. Last evaluated: 2022-12-02. Review status: criteria provided, single submitter. Criteria: GeneDx Variant Classification Process June 2021. Collection method: clinical testing. Allele origin: germline. Affected: yes.
Comment: See Variant Classification Assertion Criteria.